The following is an entry in ClinVar:

NM_033118.4(MYLK2):c.523A>G (p.Thr175Ala)

Gene: MYLK2 (myosin light chain kinase 2; plus strand). Cytogenetic location: 20q11.21.
Variant type: single nucleotide variant.
Coding change: c.523A>G on transcript NM_033118.4 (MANE Select); coding-DNA position 523, A replaced by G.
Protein change: p.Thr175Ala; replaces threonine 175 with alanine.
Molecular consequence: missense variant.
Genome position (GRCh38, 1-based): chr20:31,821,488, A>G. VCF-style: chr20-31821488-A-G. GRCh37 (hg19) VCF-style: chr20-30409291-A-G.
Other names: short protein forms T175A.
Identifiers: ClinVar variation 1401847 (VCV001401847.8), dbSNP rs2123127764, ClinGen allele CA408525791.

ClinVar aggregate classification (germline): Uncertain significance (1 of 4 stars; one submission).

Conditions:
Hypertrophic cardiomyopathy 1 (CMH1). Also called: Familial hypertrophic cardiomyopathy 1; MYH7-Related Familial Hypertrophic Cardiomyopathy. Identifiers: MedGen C3495498, MONDO:0008647, OMIM 192600.

Allele frequency attached by ClinVar (database versions not stated): gnomAD exomes below 0.00001.
gnomAD v4.1: 2 of 1,613,918 alleles (0.00012%); highest among the groups gnomAD compares: Non-Finnish European, 0.00017%; no homozygotes.

Submission:

Labcorp Genetics (formerly Invitae), Labcorp
Classification: Uncertain significance for Hypertrophic cardiomyopathy 1. Last evaluated: 2021-05-13. Review status: criteria provided, single submitter. Criteria: Invitae Variant Classification Sherloc (09022015). Collection method: clinical testing. Allele origin: germline.
Comment: In summary, the available evidence is currently insufficient to determine the role of this variant in disease. Therefore, it has been classified as a Variant of Uncertain Significance. Algorithms developed to predict the effect of missense changes on protein structure and function (SIFT, PolyPhen-2, Align-GVGD) all suggest that this variant is likely to be tolerated, but these predictions have not been confirmed by published functional studies and their clinical significance is uncertain. This variant has not been reported in the literature in individuals with MYLK2-related conditions. This variant is not present in population databases (ExAC no frequency). This sequence change replaces threonine with alanine at codon 175 of the MYLK2 protein (p.Thr175Ala). The threonine residue is weakly conserved and there is a small physicochemical difference between threonine and alanine.